The following is an entry in ClinVar:

ClinVar aggregate classification (germline): Pathogenic. Review status: reviewed by expert panel (3 of 4 stars). 3 submissions from 3 submitters: Pathogenic (1). 2 of the submissions do not count toward it. Last evaluated 2026-01-16.

Conditions:
Glycogen storage disease, type II (IOPD). Also called: Glycogen storage disease type 2; Acid maltase deficiency disease; Aglucosidase alfa; Deficiency of alpha-glucosidase; Deficiency of lysosomal alpha-glucosidase; Glucosidase acid-1,4-alpha deficiency. Identifiers: Orphanet 365, MedGen C0017921, MONDO:0009290, OMIM 232300.

gnomAD v4.1: 1 of 1,593,294 alleles (0.000063%); highest among the groups gnomAD compares: Admixed American, 0.0017%; no homozygotes.

Submissions (3):

ClinGen Lysosomal Storage Disorder Variant Curation Expert Panel
Classification: Pathogenic for Glycogen storage disease, type II. Last evaluated: 2026-01-16. Review status: reviewed by expert panel. Criteria: clingen_lsd_acmg_specifications_v2-1. Collection method: curation. Allele origin: germline. Inheritance: Autosomal recessive inheritance.
Comment: The NM_000152.5:c.692+1G>A variant in GAA occurs within the canonical splice donor site of intron 2. It is predicted to cause skipping of biologically-relevant-exon 3/20, resulting in a frameshift leading to nonsense mediated decay in a gene in which loss-of-function is an established disease mechanism (PVS1). One patient with this variant had documented GAA deficiency with GAA activity in the affected range in dried blood spot, and were reported to have biventricular hypertrophy and to be on enzyme replacement therapy for Pompe disease (PMID: 24027232) (PP4_Moderate). The highest population minor allele frequency in gnomAD v4.1.0 is 0.000017 (1/59846 alleles) in the Admixed American population, which is lower than the ClinGen Lysosomal Diseases VCEP’s threshold for PM2_Supporting (<0.001), meeting this criterion (PM2_Supporting). There is a variant c.692+1G>C at the same nucleotide position with same predicted impact classified as pathogenic for Pompe disease by the ClinGen LD VCEP (Variation ID: 972793) (PS1_Supporting). There is a ClinVar entry for this variant (Variation ID: 972792, 1 star review status) with 1 submitter classifying as pathogenic. In summary, this variant meets the criteria to be classified as pathogenic for Pompe disease. GAA-specific ACMG/AMP criteria met, as specified by the ClinGen Lysosomal Diseases Variant Curation Expert Panel (Specification Version 2.0.0): PVS1, PP4_Moderate, PM2_Supporting, PS1_Supporting. (Classification approved by the ClinGen Lysosomal Diseases Variant Curation Expert Panel on Jan 16, 2026)

Genomenon, Inc
Classification: Pathogenic for Glycogen storage disease, type II. Last evaluated: 2026-07-01. Review status: criteria provided, single submitter. Criteria: Genomenon Sequence Variant Interpretation Standards - Updated. Collection method: curation. Allele origin: germline. Affected: yes. Not counted in ClinVar's aggregate classification.
Comment: GAA c.692+1G>A is a canonical splice variant affecting the donor splice site of intron 3. It is predicted to affect mRNA splicing, leading to a deleterious effect on the GAA protein. This variant has been observed in at least one proband with a GAA-related disorder (PMID:24027232). It is absent or not present at a significant frequency in gnomAD. In conclusion, we classify GAA c.692+1G>A as a pathogenic variant.

Broad Center for Mendelian Genomics, Broad Institute of MIT and Harvard
Classification: Pathogenic for Glycogen storage disease, type II. Last evaluated: 2020-01-22. Review status: criteria provided, single submitter. Criteria: ACMG Guidelines, 2015. Collection method: curation. Allele origin: germline. Inheritance: Autosomal recessive inheritance. Not counted in ClinVar's aggregate classification.
Comment: The c.692+1G>A variant in GAA has been reported in one individual with glycogen storage disease (PMID: 24027232), and has been identified in 0.003% of Latino chromosomes by the Genome Aggregation Database (gnomAD; dbSNP rs773281453). Although this variant has been seen in the general population, its frequency is low enough to be consistent with a recessive carrier frequency. This variant occurs in the invariant region (+/- 1/2) of the splice consensus sequence and is predicted to cause altered splicing leading to an abnormal or absent protein. Loss of function of the GAA gene is an established disease mechanism in autosomal recessive glycogen storage disease. The phenotype of an individual that is a compound heterozygote for this variant is highly specific for glycogen storage disease based on GAA enzyme activity consistent for disease (PMID: 24027232). In summary, this variant meets criteria to be classified as pathogenic for glycogen storage disease in an autosomal recessive manner based on its prediction to cause loss of function, its low frequency in the general population, and its presence in affected individuals with significantly reduced GAA activity. ACMG/AMP Criteria applied: PVS1, PM2, PP4 (Richards 2015).

Literature cited by the submitters: PubMed 24027232 (cited by Genomenon, Inc and Broad Center for Mendelian Genomics, Broad Institute of MIT and Harvard).

NM_000152.5(GAA):c.692+1G>A

Gene: GAA (alpha glucosidase; plus strand). Cytogenetic location: 17q25.3.
Variant type: single nucleotide variant.
Coding change: c.692+1G>A on transcript NM_000152.5 (MANE Select); the canonical splice donor site of the intron after coding-DNA position 692, G replaced by A.
Molecular consequence: splice donor variant.
Genome position (GRCh38, 1-based): chr17:80,105,895, G>A. VCF-style: chr17-80105895-G-A. GRCh37 (hg19) VCF-style: chr17-78079694-G-A.
Other names: c.692+1G>A (NM_001406741.1, NM_001406742.1, NM_001079803.3 and 1 more transcripts).
Identifiers: ClinVar variation 972792 (VCV000972792.4), dbSNP rs773281453, ClinGen allele CA401362642.
Genomic context (GRCh38, chr17:80,105,895, plus strand): 5'-GGAGTTCTCCGAGGAGCCCTTCGGGGTGATCGTGCGCCGGCAGCTGGACGGCCGCGTGCT[G>A]TGAGTTCTGGGCTCTGTGCCAGCATGATGGGGAGGGCGACGCGCATTTCTCACACGGCAG-3'